The following is an entry in ClinVar:

NM_006205.3(PDE6H):c.*301A>G

Gene: PDE6H (phosphodiesterase 6H; plus strand). Cytogenetic location: 12p12.3.
Variant type: single nucleotide variant.
Coding change: c.*301A>G on transcript NM_006205.3 (MANE Select); 301 bases downstream of the stop codon, A replaced by G.
Molecular consequence: 3 prime UTR variant.
Genome position (GRCh38, 1-based): chr12:14,981,777, A>G. VCF-style: chr12-14981777-A-G. GRCh37 (hg19) VCF-style: chr12-15134711-A-G.
Identifiers: ClinVar variation 307787 (VCV000307787.6), dbSNP rs77796036, ClinGen allele CA10640572.
Genomic context (GRCh38, chr12:14,981,777, plus strand): 5'-CATCAATATTTCTCTACATTTTGTTTATCTGTAAGTCCTTTAAATCTATTTTTGCTAGGC[A>G]TTCATTATGATTAATAGTAGACTTTTAAGACAACATTTATGTCACTCCCCACCTCCTCAT-3'

ClinVar aggregate classification (germline): Benign. Review status: criteria provided, multiple submitters, no conflicts (2 of 4 stars). 2 submissions from 2 submitters: Benign (2). Last evaluated 2018-01-12.

Conditions:
Achromatopsia 6. Also called: RETINAL CONE DYSTROPHY 3A; CONE DYSTROPHY WITH NIGHT BLINDNESS AND SUPERNORMAL ROD RESPONSES, PDE6H-RELATED. Identifiers: Orphanet 49382, MedGen C1864900, MONDO:0012398, OMIM 610024.

Allele frequency attached by ClinVar (database versions not stated): gnomAD exomes 0.00177; gnomAD 0.01378 and 0.01482; TOPMed 0.01526; 1000 Genomes Project 0.01538; 1000 Genomes Project 30x 0.01577.
gnomAD v4.1: 2,682 of 468,046 alleles (0.57%); highest among the groups gnomAD compares: African/African-American, 4.7%; 77 homozygotes.

Submissions (2):

Illumina Laboratory Services, Illumina
Classification: Benign for Achromatopsia 6. Last evaluated: 2018-01-12. Review status: criteria provided, single submitter. Criteria: ICSL Variant Classification Criteria 13 December 2019. Collection method: clinical testing. Allele origin: germline.
Comment: This variant was observed in the ICSL laboratory as part of a predisposition screen in an ostensibly healthy population. It had not been previously curated by ICSL or reported in the Human Gene Mutation Database (HGMD: prior to June 1st, 2018), and was therefore a candidate for classification through an automated scoring system. Utilizing variant allele frequency, disease prevalence and penetrance estimates, and inheritance mode, an automated score was calculated to assess if this variant is too frequent to cause the disease. Based on the score and internal cut-off values, a variant classified as benign is not then subjected to further curation. The score for this variant resulted in a classification of benign for this disease.

Breakthrough Genomics
Classification: Benign. Review status: criteria provided, single submitter. Criteria: ACMG Guidelines, 2015. Collection method: not provided. Allele origin: germline. Inheritance: Autosomal dominant inheritance. Affected: yes.